The following is an entry in ClinVar:

ClinVar aggregate classification (germline): Conflicting classifications of pathogenicity. Review status: criteria provided, conflicting classifications (1 of 4 stars). 2 submissions from 2 submitters: Likely pathogenic (1); Uncertain significance (1). Last evaluated 2024-06-14.

Conditions:
Inborn genetic diseases. Identifiers: MedGen C0950123, MeSH D030342.
Pelizaeus-Merzbacher disease. Also called: Sudanophilic leukodystrophy; LEUKODYSTROPHY, HYPOMYELINATING, 1; Pelizaeus-Merzbacher spectrum disorder; Pelizaeus-Merzbacher Disease (PMD); Pelizeaus-Merzbacher spectrum disorder. Identifiers: Orphanet 702, MedGen C0205711, MONDO:0010714, OMIM 312080, HP:0003269.

Submissions (2):

Molecular Diagnostics Lab, Nemours Children's Health, Delaware
Classification: Likely pathogenic for Pelizaeus-Merzbacher disease. Last evaluated: 2024-06-14. Review status: criteria provided, single submitter. Criteria: ACMG Guidelines, 2015. Collection method: clinical testing. Allele origin: unknown. Inheritance: X-linked inheritance. Affected: yes. Observed: 2 hemizygotes. Clinical features observed: Profound static encephalopathy (HP:0007069), Bilateral vocal cord paralysis (HP:0012820), Gastroesophageal reflux (HP:0002020).
Comment: This missense variant (c.110T>C, p.His37Pro) has not been observed in population databases (gnomAD). It has not been described in the literature. Variant prediction programs suggest a deleterious effect on the PLP1 protein, but no functional studies have been published.

Ambry Genetics
Classification: Uncertain significance for Inborn genetic diseases. Last evaluated: 2018-01-23. Review status: criteria provided, single submitter. Criteria: Ambry Variant Classification Scheme 2023. Collection method: clinical testing. Allele origin: germline.
Comment: The p.H37P variant (also known as c.110A>C), located in coding exon 2 of the PLP1 gene, results from an A to C substitution at nucleotide position 110. The histidine at codon 37 is replaced by proline, an amino acid with similar properties. This amino acid position is highly conserved in available vertebrate species. In addition, this alteration is predicted to be deleterious by in silico analysis. Since supporting evidence is limited at this time, the clinical significance of this alteration remains unclear.

NM_000533.5(PLP1):c.110A>C (p.His37Pro)

Genes: PLP1 (proteolipid protein 1; plus strand), RAB9B (RAB9B, member RAS oncogene family; minus strand). Cytogenetic location: Xq22.2.
Variant type: single nucleotide variant.
Coding change: c.110A>C on transcript NM_000533.5 (MANE Select); coding-DNA position 110, A replaced by C.
Protein change: p.His37Pro; replaces histidine 37 with proline.
Molecular consequence: missense variant. On other transcripts: intron variant (1).
Genome position (GRCh38, 1-based): chrX:103,785,687, A>C. VCF-style: chrX-103785687-A-C. GRCh37 (hg19) VCF-style: chrX-103040616-A-C.
Other names: c.110A>C, p.His37Pro (NM_001128834.3, NM_199478.3); c.5-60A>C (NM_001305004.1); short protein forms H37P.
Identifiers: ClinVar variation 1794630 (VCV001794630.4), dbSNP rs2522301501, ClinGen allele CA414102095.